The following is an entry in ClinVar:

NM_206933.4(USH2A):c.1268G>A (p.Gly423Glu)

Gene: USH2A (usherin; minus strand). Cytogenetic location: 1q41.
Variant type: single nucleotide variant.
Coding change: c.1268G>A on transcript NM_206933.4 (MANE Select); coding-DNA position 1268, G replaced by A.
Protein change: p.Gly423Glu; replaces glycine 423 with glutamic acid.
Molecular consequence: missense variant.
Genome position (GRCh38, 1-based): chr1:216,324,228, C>T on the plus strand (G>A on the coding strand, the complement: USH2A is on the minus strand). VCF-style: chr1-216324228-C-T. GRCh37 (hg19) VCF-style: chr1-216497570-C-T.
Other names: c.1268G>A, p.Gly423Glu (NM_007123.6); c.1268G>A (NM_206933.2); short protein forms G423E.
Identifiers: ClinVar variation 2146764 (VCV002146764.3), dbSNP rs754163361, ClinGen allele CA1396560.

ClinVar aggregate classification (germline): Uncertain significance. Review status: criteria provided, multiple submitters, no conflicts (2 of 4 stars). 3 submissions from 3 submitters: Uncertain significance (3). Last evaluated 2025-02-06.

Allele frequency attached by ClinVar (database versions not stated): TOPMed below 0.00001; ExAC 0.00003.
gnomAD v4.1: 7 of 1,613,304 alleles (0.00043%); highest among the groups gnomAD compares: Admixed American, 0.012%; no homozygotes.

Submissions (3):

GeneDx
Classification: Uncertain significance. Last evaluated: 2025-02-06. Review status: criteria provided, single submitter. Criteria: GeneDx Variant Classification Process June 2021. Collection method: clinical testing. Allele origin: germline. Affected: yes.
Comment: In silico analysis supports that this missense variant has a deleterious effect on protein structure/function; Has not been previously published as pathogenic or benign to our knowledge

Blueprint Genetics
Classification: Uncertain significance. Last evaluated: 2022-09-08. Review status: criteria provided, single submitter. Criteria: ACMG Guidelines, 2015. Collection method: clinical testing. Allele origin: germline.

Labcorp Genetics (formerly Invitae), Labcorp
Classification: Uncertain significance. Last evaluated: 2022-07-12. Review status: criteria provided, single submitter. Criteria: Invitae Variant Classification Sherloc (09022015). Collection method: clinical testing. Allele origin: germline.
Comment: This sequence change replaces glycine, which is neutral and non-polar, with glutamic acid, which is acidic and polar, at codon 423 of the USH2A protein (p.Gly423Glu). This variant is present in population databases (rs754163361, gnomAD 0.02%). This variant has not been reported in the literature in individuals affected with USH2A-related conditions. Algorithms developed to predict the effect of missense changes on protein structure and function (SIFT, PolyPhen-2, Align-GVGD) all suggest that this variant is likely to be tolerated. In summary, the available evidence is currently insufficient to determine the role of this variant in disease. Therefore, it has been classified as a Variant of Uncertain Significance.